The following is an entry in ClinVar:

NM_001853.4(COL9A3):c.954+5G>A

Gene: COL9A3 (collagen type IX alpha 3 chain; plus strand). Cytogenetic location: 20q13.33.
Variant type: single nucleotide variant.
Coding change: c.954+5G>A on transcript NM_001853.4 (MANE Select); 5 bases into the intron after coding-DNA position 954, G replaced by A.
Molecular consequence: intron variant.
Genome position (GRCh38, 1-based): chr20:62,828,822, G>A. VCF-style: chr20-62828822-G-A. GRCh37 (hg19) VCF-style: chr20-61460174-G-A.
Identifiers: ClinVar variation 2015435 (VCV002015435.4), dbSNP rs2516054851, ClinGen allele CA2577448518.

ClinVar aggregate classification (germline): Uncertain significance (1 of 4 stars; one submission).

Submission:

Labcorp Genetics (formerly Invitae), Labcorp
Classification: Uncertain significance. Last evaluated: 2025-10-16. Review status: criteria provided, single submitter. Criteria: Invitae Variant Classification Sherloc (09022015). Collection method: clinical testing. Allele origin: germline.
Comment: This sequence change falls in intron 18 of the COL9A3 gene. It does not directly change the encoded amino acid sequence of the COL9A3 protein. It affects a nucleotide within the consensus splice site. This variant is not present in population databases (gnomAD no frequency). This variant has not been reported in the literature in individuals affected with COL9A3-related conditions. ClinVar contains an entry for this variant (Variation ID: 2015435). Variants that disrupt the consensus splice site are a relatively common cause of aberrant splicing (PMID: 17576681, 9536098). Algorithms developed to predict the effect of sequence changes on RNA splicing suggest that this variant may disrupt the consensus splice site. In summary, the available evidence is currently insufficient to determine the role of this variant in disease. Therefore, it has been classified as a Variant of Uncertain Significance.

Literature cited by the submitters: PubMed 17576681; PubMed 9536098.